The following is an entry in ClinVar:

ClinVar aggregate classification (germline): Uncertain significance (1 of 4 stars; one submission).

gnomAD v4.1: 2 of 1,580,714 alleles (0.00013%); highest among the groups gnomAD compares: South Asian, 0.0012%; no homozygotes.

Submission:

GeneDx
Classification: Uncertain significance. Last evaluated: 2026-04-13. Review status: criteria provided, single submitter. Criteria: GeneDx Variant Classification Process June 2021. Collection method: clinical testing. Allele origin: germline.
Comment: Not observed at significant frequency in large population cohorts (gnomAD); In silico analysis suggests that this missense variant does not alter protein structure/function; Has not been previously published as pathogenic or benign to our knowledge

NM_025009.5(CEP135):c.1748C>T (p.Ala583Val)

Gene: CEP135 (centrosomal protein 135; plus strand). Cytogenetic location: 4q12.
Variant type: single nucleotide variant.
Coding change: c.1748C>T on transcript NM_025009.5 (MANE Select); coding-DNA position 1748, C replaced by T.
Protein change: p.Ala583Val; replaces alanine 583 with valine.
Molecular consequence: missense variant.
Genome position (GRCh38, 1-based): chr4:55,981,348, C>T. VCF-style: chr4-55981348-C-T. GRCh37 (hg19) VCF-style: chr4-56847514-C-T.
Other names: short protein forms A583V.
Identifiers: ClinVar variation 5037131 (VCV005037131.1).
Genomic context (GRCh38, chr4:55,981,348, plus strand): 5'-TTGTTAGTCTTATGGAAAAGGAAAAAGAACTTGCGTTATCTGACTTAAGAAGAATTATGG[C>T]AGAAAAGGAAGCTTTAAGAGAAAAATTAGAGGTAAGAAGATTGACATGTTTTTGAAAGGT-3'
Protein context (NP_079285.2, residues 573-593): LALSDLRRIM[Ala583Val]EKEALREKLE